The following is an entry in ClinVar:

NM_002907.4(RECQL):c.1666_1667+3dup

Gene: RECQL (RecQ like helicase; minus strand). Cytogenetic location: 12p12.1.
Variant type: Duplication.
Coding change: c.1666_1667+3dup on transcript NM_002907.4 (MANE Select); coding-DNA position 1666 through 3 bases into the intron after coding-DNA position 1667, 5 bases duplicated (AAGTA; older notation c.1666_1667+3dupAAGTA).
Molecular consequence: splice donor variant.
Genome position (GRCh38, 1-based): chr12:21,471,425-21,471,429, TACTT duplicated on the plus strand (AAGTA on the coding strand, the reverse complement: RECQL is on the minus strand). VCF-style (leftmost placement, unchanged base first): chr12-21471424-A-ATACTT. GRCh37 (hg19) VCF-style: chr12-21624358-A-ATACTT.
Other names: c.1666_1667+3dup (NM_032941.3).
Identifiers: ClinVar variation 1712864 (VCV001712864.4), dbSNP rs1208403553, ClinGen allele CA686393646.
Genomic context (GRCh38, chr12:21,471,424, plus strand): 5'-TTGCAATTTTTAAAAAAAAACCATAAAGACAACCTGAAAGAATAATGAATGAGTTTGTAC[A>ATACTT]TACTTAAGATACTGCTGTATTAGAAAGTGTGCAATAATCTTCTCCAGATCTTCACGAGGA-3'

ClinVar aggregate classification (germline): Uncertain significance. Review status: criteria provided, multiple submitters, no conflicts (2 of 4 stars). 2 submissions from 2 submitters: Uncertain significance (2). Last evaluated 2022-04-26.

Allele frequency attached by ClinVar (database versions not stated): gnomAD 0.00002.

Submissions (2):

GeneDx
Classification: Uncertain significance. Last evaluated: 2022-04-26. Review status: criteria provided, single submitter. Criteria: GeneDx Variant Classification Process June 2021. Collection method: clinical testing. Allele origin: germline. Affected: yes.
Comment: Not observed at significant frequency in large population cohorts (gnomAD); In silico analysis supports a deleterious effect on splicing; Has not been previously published as pathogenic or benign to our knowledge

Ambry Genetics
Classification: Uncertain significance. Last evaluated: 2021-10-22. Review status: criteria provided, single submitter. Criteria: Ambry Variant Classification Scheme 2023. Collection method: clinical testing. Allele origin: germline.
Comment: The c.1666_1667+3dupAAGTA variant results from a duplication of 5 nucleotides between positions 1666 and 1667+3 and involves the canonical splice donor site after coding exon 12 of the RECQL gene. In silico splice site analysis predicts that this alteration will not have any significant effect on splicing; however, the exact impact of this duplication on RECQL splicing and function is currently unknown. This nucleotide region is well conserved in available vertebrate species. Since supporting evidence is limited at this time, the clinical significance of this alteration remains unclear.